The following is an entry in ClinVar:

NM_002049.4(GATA1):c.220+1G>A

Gene: GATA1 (GATA binding protein 1; plus strand). Cytogenetic location: Xp11.23.
Variant type: single nucleotide variant.
Coding change: c.220+1G>A on transcript NM_002049.4 (MANE Select); the canonical splice donor site of the intron after coding-DNA position 220, G replaced by A.
Molecular consequence: splice donor variant.
Genome position (GRCh38, 1-based): chrX:48,791,330, G>A. VCF-style: chrX-48791330-G-A. GRCh37 (hg19) VCF-style: chrX-48649737-G-A.
Identifiers: ClinVar variation 956466 (VCV000956466.9), dbSNP rs1569499366, ClinGen allele CA412867313.

ClinVar aggregate classification (germline): Pathogenic. Review status: criteria provided, multiple submitters, no conflicts (2 of 4 stars). 2 submissions from 2 submitters: Pathogenic (2). Last evaluated 2025-10-01.

Conditions:
Diamond-Blackfan anemia. Also called: Blackfan Diamond syndrome; Aregenerative anemia chronic congenital; Red cell aplasia, pure hereditary; Congenital hypoplastic anemia; Aase syndrome. Identifiers: Orphanet 124, MedGen C1260899, MeSH D029503, MONDO:0015253, HP:0004810.
GATA binding protein 1 related thrombocytopenia with dyserythropoiesis. Also called: GATA1-Related X-Linked Cytopenia; GATA1-Related Cytopenia. Identifiers: MedGen C1845837, MONDO:0100089.
X-linked dyserythropoetic anemia with abnormal platelets and neutropenia. Also called: ANEMIA, X-LINKED, WITH OR WITHOUT NEUTROPENIA AND/OR PLATELET ABNORMALITIES. Identifiers: Orphanet 363727, MedGen C3550856, MONDO:0010444, OMIM 300835.

Submissions (2):

Labcorp Genetics (formerly Invitae), Labcorp
Classification: Pathogenic for GATA binding protein 1 related thrombocytopenia with dyserythropoiesis; Diamond-Blackfan anemia. Last evaluated: 2025-10-01. Review status: criteria provided, single submitter. Criteria: Invitae Variant Classification Sherloc (09022015). Collection method: clinical testing. Allele origin: germline.
Comment: This sequence change affects a donor splice site in intron 2 of the GATA1 gene. It is expected to disrupt RNA splicing. Variants that disrupt the donor or acceptor splice site typically lead to a loss of protein function (PMID: 16199547), and loss-of-function variants in GATA1 are known to be pathogenic (PMID: 16783379, 22706301, 23704091, 24453067). This variant is not present in population databases (gnomAD no frequency). Disruption of this splice site has been observed in individual(s) with clinical features of GATA1-related conditions (PMID: 36845397). In at least one individual the variant was observed to be de novo. ClinVar contains an entry for this variant (Variation ID: 956466). Algorithms developed to predict the effect of sequence changes on RNA splicing suggest that this variant may disrupt the consensus splice site. For these reasons, this variant has been classified as Pathogenic.

Genomic Medicine Center of Excellence, King Faisal Specialist Hospital and Research Centre
Classification: Pathogenic for X-linked dyserythropoetic anemia with abnormal platelets and neutropenia. Last evaluated: 2024-12-18. Review status: criteria provided, single submitter. Criteria: ACMG Guidelines, 2015. Collection method: clinical testing. Allele origin: germline.

Literature cited by the submitters: PubMed 16199547 (cited by Labcorp Genetics (formerly Invitae), Labcorp); PubMed 16783379 (cited by Labcorp Genetics (formerly Invitae), Labcorp); PubMed 22706301 (cited by Labcorp Genetics (formerly Invitae), Labcorp); PubMed 23704091 (cited by Labcorp Genetics (formerly Invitae), Labcorp); PubMed 24453067 (cited by Labcorp Genetics (formerly Invitae), Labcorp); PubMed 36845397 (cited by Labcorp Genetics (formerly Invitae), Labcorp).